The following is an entry in ClinVar:

NM_019074.4(DLL4):c.353del (p.Ile118fs)

Gene: DLL4 (delta like canonical Notch ligand 4; plus strand). Cytogenetic location: 15q15.1.
Variant type: Deletion.
Coding change: c.353del on transcript NM_019074.4 (MANE Select); coding-DNA position 353, one base deleted (T; older notation c.353delT).
Protein change: p.Ile118fs; shifts the reading frame from isoleucine 118.
Molecular consequence: frameshift variant.
Genome position (GRCh38, 1-based): chr15:40,930,641, T deleted. VCF-style (leftmost placement, unchanged base first): chr15-40930640-AT-A. GRCh37 (hg19) VCF-style: chr15-41222838-AT-A.
Other names: short protein forms I118fs.
Identifiers: ClinVar variation 2101441 (VCV002101441.4), dbSNP rs2542542566, ClinGen allele CA2580089389.

ClinVar aggregate classification (germline): Pathogenic (1 of 4 stars; one submission).

Submission:

Labcorp Genetics (formerly Invitae), Labcorp
Classification: Pathogenic. Last evaluated: 2022-02-22. Review status: criteria provided, single submitter. Criteria: Invitae Variant Classification Sherloc (09022015). Collection method: clinical testing. Allele origin: germline.
Comment: This sequence change creates a premature translational stop signal (p.Ile118Thrfs*32) in the DLL4 gene. It is expected to result in an absent or disrupted protein product. Loss-of-function variants in DLL4 are known to be pathogenic (PMID: 26299364, 29924900). This variant is not present in population databases (gnomAD no frequency). For these reasons, this variant has been classified as Pathogenic. This variant has not been reported in the literature in individuals affected with DLL4-related conditions.

Literature cited by the submitters: PubMed 26299364; PubMed 29924900.